The following is an entry in ClinVar:

ClinVar aggregate classification (germline): Uncertain significance (1 of 4 stars; one submission).

Conditions:
Hereditary cancer-predisposing syndrome. Also called: Neoplastic Syndromes, Hereditary; Tumor predisposition; Hereditary neoplastic syndrome; Hereditary Cancer Syndrome. Identifiers: Orphanet 140162, MedGen C0027672, MeSH D009386, MONDO:0015356.

Submission:

Ambry Genetics
Classification: Uncertain significance for Hereditary cancer-predisposing syndrome. Last evaluated: 2025-04-06. Review status: criteria provided, single submitter. Criteria: Ambry Variant Classification Scheme 2023. Collection method: clinical testing. Allele origin: germline.
Comment: The p.I371T variant (also known as c.1112T>C), located in coding exon 6 of the KIT gene, results from a T to C substitution at nucleotide position 1112. The isoleucine at codon 371 is replaced by threonine, an amino acid with similar properties. This amino acid position is conserved. In addition, this alteration is predicted to be tolerated by in silico analysis. Based on the available evidence, the clinical significance of this variant remains unclear.

NM_000222.3(KIT):c.1112T>C (p.Ile371Thr)

Gene: KIT (KIT proto-oncogene, receptor tyrosine kinase; plus strand). Cytogenetic location: 4q12.
Variant type: single nucleotide variant.
Coding change: c.1112T>C on transcript NM_000222.3 (MANE Select); coding-DNA position 1112, T replaced by C.
Protein change: p.Ile371Thr; replaces isoleucine 371 with threonine.
Molecular consequence: missense variant.
Genome position (GRCh38, 1-based): chr4:54,707,284, T>C. VCF-style: chr4-54707284-T-C. GRCh37 (hg19) VCF-style: chr4-55573450-T-C.
Other names: c.1112T>C, p.Ile371Thr (NM_001093772.2, NM_001385285.1, NM_001385286.1); c.1115T>C, p.Ile372Thr (NM_001385284.1, NM_001385288.1, NM_001385290.1 and 1 more transcripts); short protein forms I372T, I371T.
Identifiers: ClinVar variation 4043742 (VCV004043742.1).
Genomic context (GRCh38, chr4:54,707,284, plus strand): 5'-TGAACAGAACCTTCACTGATAAATGGGAAGATTATCCCAAGTCTGAGAATGAAAGTAATA[T>C]CAGGTAAGAAATGGACCTTGCCCTGGGGGATTACACATTACCCCCTTTTCCAGTGGGCTT-3'
Protein context (NP_000213.1, residues 361-381): DYPKSENESN[Ile371Thr]RYVSELHLTR